The following is an entry in ClinVar:

NM_133433.4(NIPBL):c.5329-15A>G

Gene: NIPBL (NIPBL cohesin loading factor; plus strand). Cytogenetic location: 5p13.2.
Variant type: single nucleotide variant.
Coding change: c.5329-15A>G on transcript NM_133433.4 (MANE Select); 15 bases into the intron before coding-DNA position 5329, A replaced by G.
Molecular consequence: intron variant.
Genome position (GRCh38, 1-based): chr5:37,022,036, A>G. VCF-style: chr5-37022036-A-G. GRCh37 (hg19) VCF-style: chr5-37022138-A-G.
Other names: c.5329-15A>G (NM_015384.5).
Identifiers: ClinVar variation 159142 (VCV000159142.46), dbSNP rs587783968, ClinGen allele CA172720.

ClinVar aggregate classification (germline): Pathogenic. Review status: criteria provided, multiple submitters, no conflicts (2 of 4 stars). 12 submissions from 12 submitters: Pathogenic (11). 1 of the submissions does not count toward it. Last evaluated 2026-03-29.

Conditions:
Inborn genetic diseases. Identifiers: MedGen C0950123, MeSH D030342.
Cornelia de Lange syndrome 1 (CDLS1). Also called: TYPUS DEGENERATIVUS AMSTELODAMENSIS; Brachmann de Lange syndrome; NIPBL-Related Cornelia de Lange Syndrome. Identifiers: Orphanet 199, MedGen C4551851, MONDO:0007387, OMIM 122470.
NIPBL-related disorder. Also called: NIPBL-related condition.

Allele frequency attached by ClinVar (database versions not stated): TOPMed below 0.00001.
gnomAD v4.1: 1 of 1,607,704 alleles (0.000062%); highest among the groups gnomAD compares: Non-Finnish European, 0.000085%; no homozygotes.

Submissions (12):

PreventionGenetics, part of Exact Sciences
Classification: Pathogenic for NIPBL-related condition. Last evaluated: 2026-03-29. Review status: criteria provided, single submitter. Criteria: ACMG Guidelines, 2015. Collection method: clinical testing. Allele origin: germline.
Comment: The NIPBL c.5329-15A>G variant is predicted to interfere with splicing. This variant has been previously reported in individuals with Cornelia de Lange syndrome or neurodevelopmental disorders (Teresa-Rodrigo et al. 2016. PubMed ID: 26925417; Nizon et al. 2016. PubMed ID: 26701315; Table 3, Pablo et al. 2021. PubMed ID: 34717699; Álvarez-Mora et al. 2022. PubMed ID: 35183220). Functional studies have found  that the presence of this variant results in the skipping of exon 28, with a shorter protein product which retains its reading frame (Teresa-Rodrigo et al. 2016. PubMed ID: 26925417). This variant has not been reported in a large polulation database (gnomAD), indicating this variant is rare. This variant is interpreted as pathogenic.

CeGaT Center for Human Genetics Tuebingen
Classification: Pathogenic. Last evaluated: 2024-11-01. Review status: criteria provided, single submitter. Criteria: CeGaT Center For Human Genetics Tuebingen Variant Classification Criteria Version 2. Collection method: clinical testing. Allele origin: germline. Affected: yes. Observed: 1 variant allele.
Comment: NIPBL: PM6:Strong, PVS1:Strong, PM2, PS4:Moderate

Victorian Clinical Genetics Services, Murdoch Childrens Research Institute
Classification: Pathogenic for Cornelia de Lange syndrome 1. Last evaluated: 2024-10-11. Review status: criteria provided, single submitter. Criteria: ACMG Guidelines, 2015. Collection method: clinical testing. Allele origin: germline. Inheritance: Autosomal dominant inheritance. Affected: yes.
Comment: Based on the classification scheme VCGS_Germline_v1.3.5, this variant is classified as Pathogenic. Following criteria are met: 0102 - Loss of function is a known mechanism of disease in this gene and is associated with Cornelia de Lange syndrome 1 (MIM#122470). (I) 0107 - This gene is associated with autosomal dominant disease. (I) 0217 - Non-coding variant with known effect. RNA studies have shown this variant results in in-frame skipping of exon 28 (PMID: 26925417). (SP) 0302 - Variant is present in gnomAD (v4) <0.001 for a dominant condition (1 heterozygote, 0 homozygotes). (SP) 0801 - This variant has strong previous evidence of pathogenicity in unrelated individuals. This variant has been classified as pathogenic by multiple clinical laboratories in ClinVar. This variant has also been observed in an individual with Cornelia de Lange syndrome 1 in the literature (PMID: 26925417). (SP) Legend: (SP) - Supporting pathogenic, (I) - Information, (SB) - Supporting benign

Labcorp Genetics (formerly Invitae), Labcorp
Classification: Pathogenic for Cornelia de Lange syndrome 1. Last evaluated: 2023-07-20. Review status: criteria provided, single submitter. Criteria: Invitae Variant Classification Sherloc (09022015). Collection method: clinical testing. Allele origin: germline.
Comment: This sequence change falls in intron 27 of the NIPBL gene. It does not directly change the encoded amino acid sequence of the NIPBL protein. This variant is not present in population databases (gnomAD no frequency). This variant has been observed in individual(s) with Cornelia de Lange syndrome (PMID: 26701315, 26925417). In at least one individual the variant was observed to be de novo. ClinVar contains an entry for this variant (Variation ID: 159142). Algorithms developed to predict the effect of sequence changes on RNA splicing suggest that this variant may disrupt the consensus splice site. For these reasons, this variant has been classified as Pathogenic.

GeneDx
Classification: Pathogenic. Last evaluated: 2022-10-19. Review status: criteria provided, single submitter. Criteria: GeneDx Variant Classification Process June 2021. Collection method: clinical testing. Allele origin: germline. Affected: yes.
Comment: Published functional studies demonstrate that c.5329-15A>G results in in-frame skipping of exon 28 and has a damaging effect on the gene product (Nizon et al., 2016; Teresa-Rodrigo et al., 2016; Masciadri et al., 2018); Not observed at significant frequency in large population cohorts (gnomAD); This variant is associated with the following publications: (PMID: 27164022, 26701315, 26925417, 30538663, 34717699, 35183220)

Ambry Genetics
Classification: Pathogenic for Inborn genetic diseases. Last evaluated: 2022-09-19. Review status: criteria provided, single submitter. Criteria: Ambry Variant Classification Scheme 2023. Collection method: clinical testing. Allele origin: germline.
Comment: The c.5329-15A>G intronic alteration consists of an A to G substitution 15 nucleotides before exon 28 (coding exon 27) of the NIPBL gene. This variant was not reported in population-based cohorts in the Genome Aggregation Database (gnomAD). This variant has been reported in multiple individuals with features consistent with Cornelia de Lange syndrome (Nizon, 2016; Teresa-Rodrigo, 2016). This nucleotide position is poorly conserved in available vertebrate species. RNA studies have demonstrated that this alteration results in abnormal splicing (Nizon, 2016; Teresa-Rodrigo, 2016). In silico splice site analysis predicts that this alteration may weaken the native splice acceptor site. Based on the available evidence, this alteration is classified as pathogenic.

3billion
Classification: Pathogenic for Cornelia de Lange syndrome 1. Last evaluated: 2022-09-01. Review status: criteria provided, single submitter. Criteria: ACMG Guidelines, 2015. Collection method: clinical testing. Allele origin: germline. Affected: yes. Observed: 1 heterozygote.
Comment: The variant is not observed in the gnomAD v2.1.1 dataset. Functional studies provide strong evidence of the variant having a damaging effect on the gene or gene product (PMID: 26925417). The variant has been observed in multiple (>3) similarly affected unrelated individuals (PMID: 26925417). The variant has been reported to co-segregate with the disease in at least 3 similarly affected relatives/individuals in the same family or similarly affected unrelated families (PMID: 26925417). The variant has been reported at least twice as pathogenic with clinical assertions and evidence for the classification (ClinVar ID: VCV000159142). Therefore, this variant is classified as Pathogenic according to the recommendation of ACMG/AMP guideline.

Mendelics
Classification: Pathogenic for Cornelia de Lange syndrome 1. Last evaluated: 2022-05-04. Review status: criteria provided, single submitter. Criteria: Mendelics Assertion Criteria 2019. Collection method: clinical testing. Allele origin: germline.

Genome-Nilou Lab
Classification: Pathogenic for Cornelia de Lange syndrome 1. Last evaluated: 2021-07-15. Review status: criteria provided, single submitter. Criteria: ACMG Guidelines, 2015. Collection method: clinical testing. Allele origin: germline. Affected: no.

Genetic Services Laboratory, University of Chicago
Classification: Pathogenic. Last evaluated: 2020-10-30. Review status: criteria provided, single submitter. Criteria: ACMG Guidelines, 2015. Collection method: clinical testing. Allele origin: germline. Affected: yes.

Clinical Genetics Service, Universitary Hospital 12 de Octubre
Classification: Pathogenic for Cornelia de Lange syndrome 1. Review status: criteria provided, single submitter. Criteria: ACMG Guidelines, 2015. Collection method: clinical testing. Allele origin: germline. Affected: yes.

Bioscientia Institut fuer Medizinische Diagnostik GmbH, Sonic Healthcare
Classification: Pathogenic for Cornelia de Lange syndrome 1. Last evaluated: 2019-06-25. Review status: no assertion criteria provided. Collection method: clinical testing. Allele origin: germline. Affected: yes. Not counted in ClinVar's aggregate classification.

Literature cited by the submitters: PubMed 26925417 (cited by 4 submitters); PubMed 26701315 (cited by Labcorp Genetics (formerly Invitae), Labcorp and Ambry Genetics).